The following is an entry in ClinVar:

NM_003036.4(SKI):c.2171C>T (p.Ala724Val)

Gene: SKI (SKI proto-oncogene; plus strand). Cytogenetic location: 1p36.32.
Variant type: single nucleotide variant.
Coding change: c.2171C>T on transcript NM_003036.4 (MANE Select); coding-DNA position 2171, C replaced by T.
Protein change: p.Ala724Val; replaces alanine 724 with valine.
Molecular consequence: missense variant.
Genome position (GRCh38, 1-based): chr1:2,306,749, C>T. VCF-style: chr1-2306749-C-T. GRCh37 (hg19) VCF-style: chr1-2238188-C-T.
Other names: short protein forms A724V.
Identifiers: ClinVar variation 440269 (VCV000440269.16), dbSNP rs1553201577, ClinGen allele CA337959896.

ClinVar aggregate classification (germline): Uncertain significance. Review status: criteria provided, multiple submitters, no conflicts (2 of 4 stars). 2 submissions from 2 submitters: Uncertain significance (2). Last evaluated 2018-07-24.

Conditions:
Shprintzen-Goldberg syndrome (SGS). Also called: CRANIOSYNOSTOSIS WITH ARACHNODACTYLY AND ABDOMINAL HERNIAS; Marfanoid disorder with craniosynostosis type 1; Marfanoid craniosynostosis syndrome; Shprintzen-Goldberg marfanoid syndrome; SHPRINTZEN-GOLDBERG CRANIOSYNOSTOSIS SYNDROME. Identifiers: Orphanet 2462, MedGen C1321551, MONDO:0008426, OMIM 182212.

Allele frequency attached by ClinVar (database versions not stated): TOPMed below 0.00001; gnomAD 0.00001; gnomAD exomes below 0.00001.
gnomAD v4.1: 2 of 1,523,896 alleles (0.00013%); highest among the groups gnomAD compares: African/African-American, 0.0014%; no homozygotes.

Submissions (2):

Labcorp Genetics (formerly Invitae), Labcorp
Classification: Uncertain significance for Shprintzen-Goldberg syndrome. Last evaluated: 2018-07-24. Review status: criteria provided, single submitter. Criteria: Invitae Variant Classification Sherloc (09022015). Collection method: clinical testing. Allele origin: germline.
Comment: In summary, the available evidence is currently insufficient to determine the role of this variant in disease. Therefore, it has been classified as a Variant of Uncertain Significance. This variant has not been reported in the literature in individuals with SKI-related disease. ClinVar contains an entry for this variant (Variation ID: 440269). While this variant is not present in population databases, the frequency information is unreliable, as metrics indicate poor data quality at this position in the ExAC database. This sequence change replaces alanine with valine at codon 724 of the SKI protein (p.Ala724Val). The alanine residue is weakly conserved and there is a small physicochemical difference between alanine and valine.

ARUP Laboratories, Molecular Genetics and Genomics, ARUP Laboratories
Classification: Uncertain significance. Last evaluated: 2016-10-04. Review status: criteria provided, single submitter. Criteria: ARUP Molecular Germline Variant Investigation Process. Collection method: clinical testing. Allele origin: germline.